The following is an entry in ClinVar:

NM_006910.5(RBBP6):c.4713G>T (p.Lys1571Asn)

Gene: RBBP6 (RB binding protein 6, ubiquitin ligase; plus strand). Cytogenetic location: 16p12.1.
Variant type: single nucleotide variant.
Coding change: c.4713G>T on transcript NM_006910.5 (MANE Select); coding-DNA position 4713, G replaced by T.
Protein change: p.Lys1571Asn; replaces lysine 1571 with asparagine.
Molecular consequence: missense variant.
Genome position (GRCh38, 1-based): chr16:24,571,779, G>T. VCF-style: chr16-24571779-G-T. GRCh37 (hg19) VCF-style: chr16-24583100-G-T.
Other names: c.4611G>T, p.Lys1537Asn (NM_018703.4); short protein forms K1537N, K1571N.
Identifiers: ClinVar variation 2443240 (VCV002443240.2), dbSNP rs376875546, ClinGen allele CA7968004.

ClinVar aggregate classification (germline): Uncertain significance (0 of 4 stars; one submission).

Submission:

Genetic Services Laboratory, University of Chicago
Classification: Uncertain significance. Last evaluated: 2022-11-21. Review status: no assertion criteria provided. Collection method: clinical testing. Allele origin: germline. Affected: no.
Comment: DNA sequence analysis of the RBBP6 gene demonstrated a sequence change, c.4713G>T, in exon 18 that results in an amino acid change, p.Lys1571Asn. This sequence change does not appear to have been previously described in individuals with RBBP6-related disorders. This sequence change has been described in the gnomAD database in one individual which corresponds to a population frequency of 0.0004% (dbSNP rs376875546). The p.Lys1571Asn change affects a highly conserved amino acid residue located in a domain of the RBBP6 protein that is not known to be functional. In-silico pathogenicity prediction tools (SIFT, PolyPhen2, Align GVGD, REVEL) provide contradictory results for the p.Lys1571Asn substitution. Due to insufficient evidences and the lack of functional studies, the clinical significance of the p.Lys1571Asn change remains unknown at this time.